The following is an entry in ClinVar:

NM_001042432.2(CLN3):c.775C>T (p.Pro259Ser)

Gene: CLN3 (CLN3 lysosomal/endosomal transmembrane protein, battenin; minus strand). Cytogenetic location: 16p12.1.
Variant type: single nucleotide variant.
Coding change: c.775C>T on transcript NM_001042432.2 (MANE Select); coding-DNA position 775, C replaced by T.
Protein change: p.Pro259Ser; replaces proline 259 with serine.
Molecular consequence: missense variant.
Genome position (GRCh38, 1-based): chr16:28,484,021, G>A on the plus strand (C>T on the coding strand, the complement: CLN3 is on the minus strand). VCF-style: chr16-28484021-G-A. GRCh37 (hg19) VCF-style: chr16-28495342-G-A.
Other names: c.775C>T, p.Pro259Ser (NM_000086.2); c.703C>T, p.Pro235Ser (NM_001286104.2); c.475C>T, p.Pro159Ser (NM_001286105.2); c.541C>T, p.Pro181Ser (NM_001286109.2); c.613C>T, p.Pro205Ser (NM_001286110.2); short protein forms P205S, P259S, P159S, P181S, P235S.
Identifiers: ClinVar variation 2098119 (VCV002098119.4), dbSNP rs1473957233, ClinGen allele CA395344719.
Genomic context (GRCh38, chr16:28,484,021, plus strand): 5'-CCAGAGAGAAAGAAAGTGACCTCTCTGAGGGTCTGTGTCTCCTACCTGGCTTCGACTCCG[G>A]GGCCTCGGTTCTTATGAGGGGCTGCCGGGCTGCGCTCTCTGCTTCTTCTTCCCCTCCAGG-3'
Protein context (NP_001035897.1, residues 249-269): ARQPLIRTEA[Pro259Ser]ESKPGSSSSL

ClinVar aggregate classification (germline): Uncertain significance (1 of 4 stars; one submission).

Conditions:
Neuronal ceroid lipofuscinosis. Also called: Neuronal Ceroid Lipofuscinoses. Identifiers: Orphanet 216, Orphanet 79263, MedGen C0027877, MONDO:0016295. Disease mechanism: loss of function.

Allele frequency attached by ClinVar (database versions not stated): TOPMed below 0.00001.

Submission:

Labcorp Genetics (formerly Invitae), Labcorp
Classification: Uncertain significance for Neuronal ceroid lipofuscinosis. Last evaluated: 2022-02-17. Review status: criteria provided, single submitter. Criteria: Invitae Variant Classification Sherloc (09022015). Collection method: clinical testing. Allele origin: germline.
Comment: This variant has not been reported in the literature in individuals affected with CLN3-related conditions. This sequence change replaces proline, which is neutral and non-polar, with serine, which is neutral and polar, at codon 259 of the CLN3 protein (p.Pro259Ser). This variant is not present in population databases (gnomAD no frequency). Algorithms developed to predict the effect of missense changes on protein structure and function output the following: SIFT: "Tolerated"; PolyPhen-2: "Benign"; Align-GVGD: "Class C0". The serine amino acid residue is found in multiple mammalian species, which suggests that this missense change does not adversely affect protein function. In summary, the available evidence is currently insufficient to determine the role of this variant in disease. Therefore, it has been classified as a Variant of Uncertain Significance.